The following is an entry in ClinVar:

ClinVar aggregate classification (germline): Likely benign (1 of 4 stars; one submission).

Conditions:
Intellectual developmental disorder with ocular anomalies and distinctive facial features (IDDOF). Identifiers: MedGen C5774238, MONDO:0859303, OMIM 620086.

gnomAD v4.1: 8 of 1,610,312 alleles (0.0005%); highest among the groups gnomAD compares: South Asian, 0.0044%; no homozygotes.

Submission:

Centre for Medical Genetics,  Mumbai
Classification: Likely benign for Intellectual developmental disorder with ocular anomalies and distinctive facial features. Last evaluated: 2026-02-09. Review status: criteria provided, single submitter. Criteria: ACMG Guidelines, 2015. Collection method: provider interpretation. Allele origin: germline. Inheritance: Autosomal dominant inheritance. Affected: no. Observed: 1 heterozygote.
Comment: The variant satisfies PM2 criteria; Extremely low frequency in gnomAD population databases. The variant satisfies BP4 criteria; For a missense or a splice region variant, computational prediction tools unanimously support a benign effect on the gene. However, the variant satisfies BS2 criteria: present in heterozygous state in an individual that clinically does not have Intellectual developmental disorder with ocular anomalies and distinctive facial features.

Literature cited by the submitters: PubMed 36067766.

NM_138383.3(MTSS2):c.1873C>T (p.Pro625Ser)

Gene: MTSS2 (MTSS I-BAR domain containing 2; minus strand). Cytogenetic location: 16q22.1.
Variant type: single nucleotide variant.
Coding change: c.1873C>T on transcript NM_138383.3 (MANE Select); coding-DNA position 1873, C replaced by T.
Protein change: p.Pro625Ser; replaces proline 625 with serine.
Molecular consequence: missense variant.
Genome position (GRCh38, 1-based): chr16:70,664,048, G>A on the plus strand (C>T on the coding strand, the complement: MTSS2 is on the minus strand). VCF-style: chr16-70664048-G-A. GRCh37 (hg19) VCF-style: chr16-70697951-G-A.
Other names: short protein forms P625S.
Identifiers: ClinVar variation 4759220 (VCV004759220.1).